The following is an entry in ClinVar:

NM_004415.4(DSP):c.3346T>C (p.Tyr1116His)

Gene: DSP (desmoplakin; plus strand). Cytogenetic location: 6p24.3.
Variant type: single nucleotide variant.
Coding change: c.3346T>C on transcript NM_004415.4 (MANE Select); coding-DNA position 3346, T replaced by C.
Protein change: p.Tyr1116His; replaces tyrosine 1116 with histidine.
Molecular consequence: missense variant.
Genome position (GRCh38, 1-based): chr6:7,579,536, T>C. VCF-style: chr6-7579536-T-C. GRCh37 (hg19) VCF-style: chr6-7579769-T-C.
Other names: c.3346T>C, p.Tyr1116His (NM_001008844.3, NM_001319034.2); short protein forms Y1116H.
Identifiers: ClinVar variation 691715 (VCV000691715.9), dbSNP rs1581815394, ClinGen allele CA362683751.
Genomic context (GRCh38, chr6:7,579,536, plus strand): 5'-AATCTAGACAAGTGCTACGGCCAAATAAAAGAACTCAATGAGAAGATCACCCGACTGACT[T>C]ATGAGATTGAAGATGAAAAGAGAAGAAGAAAATCTGTGGAAGACAGATTTGACCAACAGA-3'
Protein context (NP_004406.2, residues 1106-1126): ELNEKITRLT[Tyr1116His]EIEDEKRRRK

ClinVar aggregate classification (germline): Uncertain significance. Review status: criteria provided, multiple submitters, no conflicts (2 of 4 stars). 5 submissions from 5 submitters: Uncertain significance (5). Last evaluated 2025-09-09.

Conditions:
Cardiomyopathy (CMYO). Also called: Cardiomyopathies. Identifiers: Orphanet 167848, MedGen C0878544, MONDO:0004994, HP:0001638. Inheritance: Various modes of inheritance.
Cardiovascular phenotype. Identifiers: MedGen CN230736.
Primary dilated cardiomyopathy (DCM). Also called: Dilated Cardiomyopathy. Identifiers: Orphanet 217604, MedGen C0007193, MeSH D002311, MONDO:0005021, HP:0001644. Inheritance: Various modes of inheritance.
Arrhythmogenic cardiomyopathy with wooly hair and keratoderma. Also called: Carvajal syndrome; PALMOPLANTAR KERATODERMA WITH LEFT VENTRICULAR CARDIOMYOPATHY AND WOOLLY HAIR; Arrhythmogenic cardiomyopathy with woolly hair and keratoderma; Dilated cardiomyopathy with woolly hair and keratoderma. Identifiers: Orphanet 65282, MedGen C1854063, MONDO:0011581, OMIM 605676.
Keratosis palmoplantaris striata 2. Also called: KERATODERMA, PALMOPLANTAR, STRIATE FORM II; STRIATE PALMOPLANTAR KERATODERMA II; Keratosis palmoplantaris striata II. Identifiers: MedGen C1852127, MONDO:0013034, OMIM 612908.

Allele frequency attached by ClinVar (database versions not stated): gnomAD exomes below 0.00001.
gnomAD v4.1: 2 of 1,613,822 alleles (0.00012%); highest among the groups gnomAD compares: Non-Finnish European, 0.00017%; no homozygotes.

Submissions (5):

Color Diagnostics, LLC DBA Color Health
Classification: Uncertain significance for Cardiomyopathy. Last evaluated: 2025-09-09. Review status: criteria provided, single submitter. Criteria: ACMG Guidelines, 2015. Collection method: clinical testing. Allele origin: germline.
Comment: This missense variant replaces tyrosine with histidine at codon 1116 of the DSP protein. Computational prediction suggests that this variant may not impact protein structure and function. To our knowledge, functional studies have not been reported for this variant. This variant has not been reported in individuals affected with DSP-related disorders in the literature. This variant has not been identified in the general population by the Genome Aggregation Database (gnomAD). The available evidence is insufficient to determine the role of this variant in disease conclusively. Therefore, this variant is classified as a Variant of Uncertain Significance.

Ambry Genetics
Classification: Uncertain significance for Cardiovascular phenotype. Last evaluated: 2024-05-21. Review status: criteria provided, single submitter. Criteria: Ambry Variant Classification Scheme 2023. Collection method: clinical testing. Allele origin: germline.
Comment: The p.Y1116H variant (also known as c.3346T>C), located in coding exon 23 of the DSP gene, results from a T to C substitution at nucleotide position 3346. The tyrosine at codon 1116 is replaced by histidine, an amino acid with some similar properties. This amino acid position is well conserved in available vertebrate species. In addition, the in silico prediction for this alteration is inconclusive. Since supporting evidence is limited at this time, the clinical significance of this alteration remains unclear.

All of Us Research Program, National Institutes of Health
Classification: Uncertain significance for Arrhythmogenic cardiomyopathy with wooly hair and keratoderma. Last evaluated: 2024-04-10. Review status: criteria provided, single submitter. Criteria: ACMG Guidelines, 2015. Collection method: clinical testing. Allele origin: germline. Inheritance: Autosomal dominant inheritance. Observed: 2 variant alleles, 2 heterozygotes.
Comment: This study involves interpretation of variants in research participants for the purpose of population health screening. Participant phenotype was not available at the time of variant classification. Additional details can be found in publication PMID: 35346344, PMCID: PMC8962531

Centre for Mendelian Genomics, University Medical Centre Ljubljana
Classification: Uncertain significance for Keratosis palmoplantaris striata 2. Last evaluated: 2019-07-08. Review status: criteria provided, single submitter. Criteria: ACMG Guidelines, 2015. Collection method: clinical testing. Allele origin: unknown. Affected: yes.
Comment: This variant was classified as: Uncertain significance. The available evidence favors the pathogenic nature of this variant, however the currently available data is insufficient to conclusively support its pathogenic nature. Thus this variant is classified as Uncertain significance - favor pathogenic. The following ACMG criteria were applied in classifying this variant: PM2,PP3.

Center for Advanced Laboratory Medicine, UC San Diego Health, University of California San Diego
Classification: Uncertain significance for Dilated cardiomyopathy. Last evaluated: 2018-04-18. Review status: criteria provided, single submitter. Criteria: ACMG Guidelines, 2015. Collection method: clinical testing. Allele origin: germline. Affected: yes. Observed: 1 variant allele.